The following is an entry in ClinVar:

ClinVar aggregate classification (germline): Uncertain significance (1 of 4 stars; one submission).

Conditions:
Kabuki syndrome 1 (KABUK1). Also called: KMT2D-Related Kabuki Syndrome. Identifiers: Orphanet 2322, MedGen CN030661, MONDO:0007843, OMIM 147920.

Submission:

Neuberg Centre For Genomic Medicine, NCGM
Classification: Uncertain significance for Kabuki syndrome 1. Review status: criteria provided, single submitter. Criteria: ACMG Guidelines, 2015. Collection method: clinical testing. Allele origin: germline. Inheritance: Autosomal dominant inheritance. Affected: yes.
Comment: The observed missense c.1817C>G(p.Ser606Cys) varian tin KMT2D gene has not been reported previously as a pathogenic variant nor a benign variant, to our knowledge. The p.Ser606Cys variant is absent in gnomAD Exomes. This variant has not been submitted to the ClinVar database. Multiple lines of computational evidences (Polyphen - Probably damaging, SIFT - Damaging and MutationTaster - Polymorphism) predict conflicting evidence on protein structure and function for this variant. The reference amino acid change at this position on KMT2D gene is predicted as conserved by GERP++ and PhyloP across 100 vertebrates. The amino acid Ser at position 606 is changed to a Cys changing protein sequence and it might alter its composition and physico-chemical properties. For these reasons, this variant has been classified as a Variant of Uncertain Significance (VUS).

NM_003482.4(KMT2D):c.1817C>G (p.Ser606Cys)

Gene: KMT2D (lysine methyltransferase 2D; minus strand). Cytogenetic location: 12q13.12.
Variant type: single nucleotide variant.
Coding change: c.1817C>G on transcript NM_003482.4 (MANE Select); coding-DNA position 1817, C replaced by G.
Protein change: p.Ser606Cys; replaces serine 606 with cysteine.
Molecular consequence: missense variant.
Genome position (GRCh38, 1-based): chr12:49,051,866, G>C on the plus strand (C>G on the coding strand, the complement: KMT2D is on the minus strand). VCF-style: chr12-49051866-G-C. GRCh37 (hg19) VCF-style: chr12-49445649-G-C.
Other names: short protein forms S606C.
Identifiers: ClinVar variation 3377691 (VCV003377691.1).
Genomic context (GRCh38, chr12:49,051,866, plus strand): 5'-AGGCGTGATGCCTCAGGTGGTGGGGAAAGGGGAGACTCCTCAGGTGGAGGGGACAGAGGA[G>C]ACTCTTCAAATGGTGGGAACAGACGAGATGCCTCCGGTGGTGGAGACATGGGTGACTCTT-3'
Protein context (NP_003473.3, residues 596-616): ASRLFPPFEE[Ser606Cys]PLSPPPEESP